The following is an entry in ClinVar:

NM_006231.4(POLE):c.6625A>G (p.Lys2209Glu)

Gene: POLE (DNA polymerase epsilon, catalytic subunit; minus strand). Cytogenetic location: 12q24.33.
Variant type: single nucleotide variant.
Coding change: c.6625A>G on transcript NM_006231.4 (MANE Select); coding-DNA position 6625, A replaced by G.
Protein change: p.Lys2209Glu; replaces lysine 2209 with glutamic acid.
Molecular consequence: missense variant.
Genome position (GRCh38, 1-based): chr12:132,625,677, T>C on the plus strand (A>G on the coding strand, the complement: POLE is on the minus strand). VCF-style: chr12-132625677-T-C. GRCh37 (hg19) VCF-style: chr12-133202263-T-C.
Other names: short protein forms K2209E.
Identifiers: ClinVar variation 1041639 (VCV001041639.11), dbSNP rs2041823515, ClinGen allele CA387366523.

ClinVar aggregate classification (germline): Uncertain significance. Review status: criteria provided, multiple submitters, no conflicts (2 of 4 stars). 2 submissions from 2 submitters: Uncertain significance (2). Last evaluated 2023-07-06.

Conditions:
Hereditary cancer-predisposing syndrome. Also called: Hereditary Cancer Syndrome; Tumor predisposition; Hereditary neoplastic syndrome; Neoplastic Syndromes, Hereditary. Identifiers: Orphanet 140162, MedGen C0027672, MeSH D009386, MONDO:0015356.

Allele frequency attached by ClinVar (database versions not stated): gnomAD exomes below 0.00001.
gnomAD v4.1: 1 of 1,613,738 alleles (0.000062%); highest among the groups gnomAD compares: African/African-American, 0.0013%; no homozygotes.

Submissions (2):

Labcorp Genetics (formerly Invitae), Labcorp
Classification: Uncertain significance. Last evaluated: 2023-07-06. Review status: criteria provided, single submitter. Criteria: Invitae Variant Classification Sherloc (09022015). Collection method: clinical testing. Allele origin: germline.
Comment: In summary, the available evidence is currently insufficient to determine the role of this variant in disease. Therefore, it has been classified as a Variant of Uncertain Significance. Advanced modeling of protein sequence and biophysical properties (such as structural, functional, and spatial information, amino acid conservation, physicochemical variation, residue mobility, and thermodynamic stability) performed at Invitae indicates that this missense variant is not expected to disrupt POLE protein function. ClinVar contains an entry for this variant (Variation ID: 1041639). This variant has not been reported in the literature in individuals affected with POLE-related conditions. This variant is not present in population databases (gnomAD no frequency). This sequence change replaces lysine, which is basic and polar, with glutamic acid, which is acidic and polar, at codon 2209 of the POLE protein (p.Lys2209Glu).

Ambry Genetics
Classification: Uncertain significance for Hereditary cancer-predisposing syndrome. Last evaluated: 2022-04-05. Review status: criteria provided, single submitter. Criteria: Ambry Variant Classification Scheme 2023. Collection method: clinical testing. Allele origin: germline.
Comment: The p.K2209E variant (also known as c.6625A>G), located in coding exon 47 of the POLE gene, results from an A to G substitution at nucleotide position 6625. The lysine at codon 2209 is replaced by glutamic acid, an amino acid with similar properties. This amino acid position is conserved. In addition, this alteration is predicted to be tolerated by in silico analysis. Since supporting evidence is limited at this time, the clinical significance of this alteration remains unclear.